The following is an entry in ClinVar:

NM_001754.5(RUNX1):c.1069_1110dup (p.Ala370_Met371insProThrProValThrSerGlyIleGlyIleGlyMetSerAla)

Gene: RUNX1 (RUNX family transcription factor 1; minus strand). Cytogenetic location: 21q22.12.
Variant type: Duplication.
Coding change: c.1069_1110dup on transcript NM_001754.5 (MANE Select); coding-DNA positions 1069 to 1110, 42 bases duplicated.
Protein change: p.Ala370_Met371insProThrProValThrSerGlyIleGlyIleGlyMetSerAla.
Molecular consequence: inframe indel (on NM_001754.4).
Genome position (GRCh38, 1-based): chr21:34,792,468-34,792,509, 42 bases duplicated; duplicating any 42 consecutive bases within chr21:34,792,468-34,792,511 gives the same sequence; the c. name uses the placement nearest the transcript's 3' end. GRCh37 (hg19): chr21:36,164,767-36,164,808.
Other names: c.988_1029dup, p.Ala343_Met344insProThrProValThrSerGlyIleGlyIleGlyMetSerAla (NM_001001890.3); c.1069_1110dupCCGACGCCGGTCACCTCGGGCATCGGCATCGGCATGTCGGCC (NM_001754.4).
Identifiers: ClinVar variation 5028557 (VCV005028557.1).

ClinVar aggregate classification (germline): Uncertain significance (1 of 4 stars; one submission).

Conditions:
Inborn genetic diseases. Identifiers: MedGen C0950123, MeSH D030342.

Submission:

Ambry Genetics
Classification: Uncertain significance for Inborn genetic diseases. Last evaluated: 2026-06-30. Review status: criteria provided, single submitter. Criteria: Ambry Variant Classification Scheme 2023. Collection method: clinical testing. Allele origin: germline.
Comment: The c.1069_1110dup42 variant (also known as p.P357_A370dup), located in coding exon 8 of the RUNX1 gene, results from an in-frame duplication of 42 nucleotides at nucleotide positions 1069 to 1110. This results in the duplication of 14 extra residues (PTPVTSGIGIGMSA) between codons 357 and 370. This amino acid region is well conserved in available vertebrate species. In addition, this variant is predicted to be deleterious by in silico analysis (Choi Y et al. PLoS ONE. 2012; 7(10):e46688). Based on the available evidence, the clinical significance of this variant remains unclear.